The following is an entry in ClinVar:

NM_005896.4(IDH1):c.1025A>G (p.His342Arg)

Gene: IDH1 (isocitrate dehydrogenase (NADP(+)) 1; minus strand). Cytogenetic location: 2q34.
Variant type: single nucleotide variant.
Coding change: c.1025A>G on transcript NM_005896.4 (MANE Select); coding-DNA position 1025, A replaced by G.
Protein change: p.His342Arg; replaces histidine 342 with arginine.
Molecular consequence: missense variant.
Genome position (GRCh38, 1-based): chr2:208,239,200, T>C on the plus strand (A>G on the coding strand, the complement: IDH1 is on the minus strand). VCF-style: chr2-208239200-T-C. GRCh37 (hg19) VCF-style: chr2-209103924-T-C.
Other names: c.1025A>G, p.His342Arg (NM_001282386.1, NM_001282387.1); short protein forms H342R.
Identifiers: ClinVar variation 1769260 (VCV001769260.3), dbSNP rs1687872443, ClinGen allele CA350094754.
Genomic context (GRCh38, chr2:208,239,200, plus strand): 5'-ACTTCTTCCAAAGCATTTGCAAAGAAGGCAAGCTCTTTATTGTTATCAAGCTTTGCTCTG[T>C]GGGCTAACCCTCTGGTCCAGGCAAAAATGGAAGCTAAAAGAGGGGAAAAAAAACACAACA-3'
Protein context (NP_005887.2, residues 332-352): SIFAWTRGLA[His342Arg]RAKLDNNKEL

ClinVar aggregate classification (germline): Uncertain significance (1 of 4 stars; one submission).

Allele frequency attached by ClinVar (database versions not stated): gnomAD exomes below 0.00001.
gnomAD v4.1: 3 of 1,614,118 alleles (0.00019%); highest among the groups gnomAD compares: Non-Finnish European, 0.00017%; no homozygotes.

Submission:

Ambry Genetics
Classification: Uncertain significance. Last evaluated: 2024-09-13. Review status: criteria provided, single submitter. Criteria: Ambry Variant Classification Scheme 2023. Collection method: clinical testing. Allele origin: germline.
Comment: The p.H342R variant (also known as c.1025A>G), located in coding exon 7 of the IDH1 gene, results from an A to G substitution at nucleotide position 1025. The histidine at codon 342 is replaced by arginine, an amino acid with highly similar properties. This amino acid position is conserved. In addition, this alteration is predicted to be deleterious by in silico analysis. Since supporting evidence is limited at this time, the clinical significance of this alteration remains unclear.